The following is an entry in ClinVar:

ClinVar aggregate classification (germline): Likely benign. Review status: criteria provided, multiple submitters, no conflicts (2 of 4 stars). 3 submissions from 3 submitters: Likely benign (3). Last evaluated 2026-08-01.

Conditions:
Inborn genetic diseases. Identifiers: MedGen C0950123, MeSH D030342.

Allele frequency attached by ClinVar (database versions not stated): ExAC 0.00008; ESP Exome Variant Server 0.00016; gnomAD 0.00017; TOPMed 0.00017; gnomAD exomes 0.00021.
gnomAD v4.1: 354 of 1,613,916 alleles (0.022%); highest among the groups gnomAD compares: Non-Finnish European, 0.027%; no homozygotes.

Submissions (3):

CeGaT Center for Human Genetics Tuebingen
Classification: Likely benign. Last evaluated: 2026-08-01. Review status: criteria provided, single submitter. Criteria: CeGaT Center For Human Genetics Tuebingen Variant Classification Criteria Version 2. Collection method: clinical testing. Allele origin: germline. Affected: yes. Observed: 2 variant alleles.
Comment: CHD8: BP4, BP7

Labcorp Genetics (formerly Invitae), Labcorp
Classification: Likely benign. Last evaluated: 2023-10-10. Review status: criteria provided, single submitter. Criteria: Invitae Variant Classification Sherloc (09022015). Collection method: clinical testing. Allele origin: germline.

Ambry Genetics
Classification: Likely benign for Inborn genetic diseases. Last evaluated: 2017-07-24. Review status: criteria provided, single submitter. Criteria: Ambry Variant Classification Scheme 2023. Collection method: clinical testing. Allele origin: germline.

NM_001170629.2(CHD8):c.2646A>C (p.Thr882=)

Gene: CHD8 (chromodomain helicase DNA binding protein 8; minus strand). Cytogenetic location: 14q11.2.
Variant type: single nucleotide variant.
Coding change: c.2646A>C on transcript NM_001170629.2 (MANE Select); coding-DNA position 2646, A replaced by C.
Protein change: p.Thr882=; no amino-acid change (threonine 882 retained).
Molecular consequence: synonymous variant.
Genome position (GRCh38, 1-based): chr14:21,408,396, T>G on the plus strand (A>C on the coding strand, the complement: CHD8 is on the minus strand). VCF-style: chr14-21408396-T-G. GRCh37 (hg19) VCF-style: chr14-21876555-T-G.
Other names: c.1809A>C, p.Thr603= (NM_020920.4).
Identifiers: ClinVar variation 1794242 (VCV001794242.6), dbSNP rs200953445, ClinGen allele CA7091529.